The following is an entry in ClinVar:

ClinVar aggregate classification (germline): Uncertain significance (1 of 4 stars; one submission).

Conditions:
Glycogen storage disease type III (GSD3). Also called: Cori disease; FORBES DISEASE. Identifiers: Orphanet 366, MedGen C0017922, MONDO:0009291, OMIM 232400.

Allele frequency attached by ClinVar (database versions not stated): gnomAD 0.00001; TOPMed 0.00001.
gnomAD v4.1: 19 of 1,612,200 alleles (0.0012%); highest among the groups gnomAD compares: Non-Finnish European, 0.0015%; no homozygotes.

Submission:

Labcorp Genetics (formerly Invitae), Labcorp
Classification: Uncertain significance for Glycogen storage disease type III. Last evaluated: 2022-06-21. Review status: criteria provided, single submitter. Criteria: Invitae Variant Classification Sherloc (09022015). Collection method: clinical testing. Allele origin: germline.
Comment: This sequence change replaces arginine, which is basic and polar, with serine, which is neutral and polar, at codon 1253 of the AGL protein (p.Arg1253Ser). This variant is not present in population databases (gnomAD no frequency). This variant has not been reported in the literature in individuals affected with AGL-related conditions. Algorithms developed to predict the effect of missense changes on protein structure and function are either unavailable or do not agree on the potential impact of this missense change (SIFT: "Deleterious"; PolyPhen-2: "Benign"; Align-GVGD: "Class C0"). In summary, the available evidence is currently insufficient to determine the role of this variant in disease. Therefore, it has been classified as a Variant of Uncertain Significance.

NM_000642.3(AGL):c.3757C>A (p.Arg1253Ser)

Gene: AGL (amylo-alpha-1,6-glucosidase and 4-alpha-glucanotransferase; plus strand). Cytogenetic location: 1p21.2.
Variant type: single nucleotide variant.
Coding change: c.3757C>A on transcript NM_000642.3 (MANE Select); coding-DNA position 3757, C replaced by A.
Protein change: p.Arg1253Ser; replaces arginine 1253 with serine.
Molecular consequence: missense variant.
Genome position (GRCh38, 1-based): chr1:99,910,768, C>A. VCF-style: chr1-99910768-C-A. GRCh37 (hg19) VCF-style: chr1-100376324-C-A.
Other names: c.3757C>A, p.Arg1253Ser (NM_000028.3, NM_000643.3, NM_000644.3 and 1 more transcripts); c.3709C>A, p.Arg1237Ser (NM_000646.3); c.3736C>A, p.Arg1246Ser (NM_001425326.1); c.3556C>A, p.Arg1186Ser (NM_001425327.1); c.3553C>A, p.Arg1185Ser (NM_001425328.1); c.3418C>A, p.Arg1140Ser (NM_001425329.1); c.3379C>A, p.Arg1127Ser (NM_001425332.1); short protein forms R1237S, R1253S, R1127S, R1140S, R1185S, R1186S, R1246S.
Identifiers: ClinVar variation 1397753 (VCV001397753.5), dbSNP rs375531470, ClinGen allele CA27553453.